The following is an entry in ClinVar:

ClinVar aggregate classification (germline): Uncertain significance (1 of 4 stars; one submission).

Conditions:
Short-rib thoracic dysplasia 14 with polydactyly (SRTD14). Identifiers: Orphanet 397715, MedGen C4225286, MONDO:0014688, OMIM 616546.
Joubert syndrome 23 (JBTS23). Identifiers: Orphanet 475, MedGen C4084822, MONDO:0014664, OMIM 616490.

Submission:

Labcorp Genetics (formerly Invitae), Labcorp
Classification: Uncertain significance for Joubert syndrome 23; Short-rib thoracic dysplasia 14 with polydactyly. Last evaluated: 2022-02-04. Review status: criteria provided, single submitter. Criteria: Invitae Variant Classification Sherloc (09022015). Collection method: clinical testing. Allele origin: germline.
Comment: In summary, the available evidence is currently insufficient to determine the role of this variant in disease. Therefore, it has been classified as a Variant of Uncertain Significance. Algorithms developed to predict the effect of missense changes on protein structure and function are either unavailable or do not agree on the potential impact of this missense change (SIFT: "Tolerated"; PolyPhen-2: "Probably Damaging"; Align-GVGD: "Class C0"). This variant has not been reported in the literature in individuals affected with KIAA0586-related conditions. This variant is not present in population databases (gnomAD no frequency). This sequence change replaces glutamine, which is neutral and polar, with histidine, which is basic and polar, at codon 317 of the KIAA0586 protein (p.Gln317His).

NM_001329943.3(KIAA0586):c.792A>T (p.Gln264His)

Gene: KIAA0586 (KIAA0586; plus strand). Cytogenetic location: 14q23.1.
Variant type: single nucleotide variant.
Coding change: c.792A>T on transcript NM_001329943.3 (MANE Select); coding-DNA position 792, A replaced by T.
Protein change: p.Gln264His; replaces glutamine 264 with histidine.
Molecular consequence: missense variant.
Genome position (GRCh38, 1-based): chr14:58,444,160, A>T. VCF-style: chr14-58444160-A-T. GRCh37 (hg19) VCF-style: chr14-58910878-A-T.
Other names: c.951A>T, p.Gln317His (NM_001244189.2); c.747A>T, p.Gln249His (NM_001244190.2); c.537A>T, p.Gln179His (NM_001244191.2, NM_001329945.2, NM_001364700.1 and 1 more transcripts); c.660A>T, p.Gln220His (NM_001244192.2); c.372A>T, p.Gln124His (NM_001244193.2); c.792A>T, p.Gln264His (NM_001329944.2, NM_001329946.2, NM_001329947.2 and 1 more transcripts); short protein forms Q179H, Q249H, Q264H, Q317H, Q124H, Q220H.
Identifiers: ClinVar variation 1463136 (VCV001463136.8), dbSNP rs2140568101, ClinGen allele CA389863042.